The following is an entry in ClinVar:

ClinVar aggregate classification (germline): Uncertain significance (1 of 4 stars; one submission).

Conditions:
Hereditary cancer-predisposing syndrome. Also called: Neoplastic Syndromes, Hereditary; Hereditary Cancer Syndrome; Hereditary neoplastic syndrome; Tumor predisposition. Identifiers: Orphanet 140162, MedGen C0027672, MeSH D009386, MONDO:0015356.

gnomAD v4.1: 1 of 1,614,008 alleles (0.000062%); highest among the groups gnomAD compares: Non-Finnish European, 0.000085%; no homozygotes.

Submission:

Ambry Genetics
Classification: Uncertain significance for Hereditary cancer-predisposing syndrome. Last evaluated: 2023-05-31. Review status: criteria provided, single submitter. Criteria: Ambry Variant Classification Scheme 2023. Collection method: clinical testing. Allele origin: germline.
Comment: The p.G568E variant (also known as c.1703G>A), located in coding exon 8 of the BARD1 gene, results from a G to A substitution at nucleotide position 1703. The glycine at codon 568 is replaced by glutamic acid, an amino acid with similar properties. This amino acid position is conserved. In addition, this alteration is predicted to be tolerated by in silico analysis. Since supporting evidence is limited at this time, the clinical significance of this alteration remains unclear.

NM_000465.4(BARD1):c.1703G>A (p.Gly568Glu)

Gene: BARD1 (BRCA1 associated RING domain 1; minus strand). Cytogenetic location: 2q35.
Variant type: single nucleotide variant.
Coding change: c.1703G>A on transcript NM_000465.4 (MANE Select); coding-DNA position 1703, G replaced by A.
Protein change: p.Gly568Glu; replaces glycine 568 with glutamic acid.
Molecular consequence: missense variant. On other transcripts: non-coding transcript variant (3), intron variant (1).
Genome position (GRCh38, 1-based): chr2:214,745,829, C>T on the plus strand (G>A on the coding strand, the complement: BARD1 is on the minus strand). VCF-style: chr2-214745829-C-T. GRCh37 (hg19) VCF-style: chr2-215610553-C-T.
Other names: c.1646G>A, p.Gly549Glu (NM_001282543.2); c.350G>A, p.Gly117Glu (NM_001282545.2); c.293G>A, p.Gly98Glu (NM_001282548.2); c.365-15321G>A (NM_001282549.2); short protein forms G549E, G117E, G568E, G98E.
Identifiers: ClinVar variation 2565212 (VCV002565212.2), dbSNP rs1007761710, ClinGen allele CA350453244.